The following is an entry in ClinVar:

NM_007194.4(CHEK2):c.122C>T (p.Ser41Phe)

Gene: CHEK2 (checkpoint kinase 2; minus strand). Cytogenetic location: 22q12.1.
Variant type: single nucleotide variant.
Coding change: c.122C>T on transcript NM_007194.4 (MANE Select); coding-DNA position 122, C replaced by T.
Protein change: p.Ser41Phe; replaces serine 41 with phenylalanine.
Molecular consequence: missense variant.
Genome position (GRCh38, 1-based): chr22:28,734,600, G>A on the plus strand (C>T on the coding strand, the complement: CHEK2 is on the minus strand). VCF-style: chr22-28734600-G-A. GRCh37 (hg19) VCF-style: chr22-29130588-G-A.
Other names: chr22:29,130,588G>A; c.122C>T, p.Ser41Phe (NM_001005735.3, NM_001349956.3, NM_145862.3); c.-656C>T (NM_001257387.3); short protein forms S41F.
Identifiers: ClinVar variation 126898 (VCV000126898.21), dbSNP rs121908694, ClinGen allele CA167796.
Genomic context (GRCh38, chr22:28,734,600, plus strand): 5'-CTCAGTGTCCCAGAGCTGGAGTGAGAGGACTGGCTGGAGTTTGGCATCGTGCTGGTAGAG[G>A]AGCTGGATATGCCCTGGGACTGTGAGGAGGAGCCTTGGGACTGGGTAACGCTGCCATGGG-3'
Protein context (NP_009125.1, residues 31-51): SSSQSQGISS[Ser41Phe]STSTMPNSSQ

ClinVar aggregate classification (germline): Uncertain significance. Review status: criteria provided, multiple submitters, no conflicts (2 of 4 stars). 7 submissions from 7 submitters: Uncertain significance (6). 1 of the submissions does not count toward it. Last evaluated 2025-12-02.

Conditions:
Hereditary cancer-predisposing syndrome. Also called: Hereditary Cancer Syndrome; Hereditary neoplastic syndrome; Tumor predisposition; Neoplastic Syndromes, Hereditary. Identifiers: Orphanet 140162, MedGen C0027672, MeSH D009386, MONDO:0015356.
Familial cancer of breast. Also called: BREAST CANCER, FAMILIAL; hereditary breast carcinoma; Hereditary breast cancer. Identifiers: Orphanet 227535, MedGen C0346153, MONDO:0016419, OMIM 114480. Disease mechanism: loss of function.

Allele frequency attached by ClinVar (database versions not stated): TOPMed below 0.00001; gnomAD exomes 0.00001.
gnomAD v4.1: 6 of 1,613,936 alleles (0.00037%); highest among the groups gnomAD compares: Non-Finnish European, 0.00051%; no homozygotes.

Submissions (7):

Labcorp Genetics (formerly Invitae), Labcorp
Classification: Uncertain significance for Familial cancer of breast. Last evaluated: 2025-12-02. Review status: criteria provided, single submitter. Criteria: Invitae Variant Classification Sherloc (09022015). Collection method: clinical testing. Allele origin: germline.
Comment: This sequence change replaces serine, which is neutral and polar, with phenylalanine, which is neutral and non-polar, at codon 41 of the CHEK2 protein (p.Ser41Phe). This variant is not present in population databases (gnomAD no frequency). This variant has not been reported in the literature in individuals affected with CHEK2-related conditions. ClinVar contains an entry for this variant (Variation ID: 126898). An algorithm developed to predict the effect of missense changes on protein structure and function (PolyPhen-2) suggests that this variant is likely to be disruptive. Experimental studies have shown that this missense change does not substantially affect CHEK2 function (PMID: 37449874). In summary, the available evidence is currently insufficient to determine the role of this variant in disease. Therefore, it has been classified as a Variant of Uncertain Significance.

Women's Health and Genetics/Laboratory Corporation of America, LabCorp
Classification: Uncertain significance. Last evaluated: 2025-04-10. Review status: criteria provided, single submitter. Criteria: LabCorp Variant Classification Summary - May 2015. Collection method: clinical testing. Allele origin: germline.
Comment: Variant summary: CHEK2 c.122C>T (p.Ser41Phe) results in a non-conservative amino acid change in the encoded protein sequence. Five of five in-silico tools predict a damaging effect of the variant on protein function. The variant was absent in 251096 control chromosomes. The available data on variant occurrences in the general population are insufficient to allow any conclusion about variant significance. To our knowledge, no occurrence of c.122C>T in individuals affected with Hereditary Breast And Ovarian Cancer Syndrome has been reported. At least one publication reports experimental evidence evaluating an impact on protein function (Stolarova_2023). These results showed no damaging effect of this variant. The following publication have been ascertained in the context of this evaluation (PMID: 37449874). ClinVar contains an entry for this variant (Variation ID: 126898). Based on the evidence outlined above, the variant was classified as uncertain significance.

Center for Genomic Medicine, Rigshospitalet, Copenhagen University Hospital
Classification: Uncertain significance. Last evaluated: 2025-03-04. Review status: criteria provided, single submitter. Criteria: ACMG Guidelines, 2015. Collection method: clinical testing. Allele origin: germline.

Baylor Genetics
Classification: Uncertain significance for Familial cancer of breast. Last evaluated: 2023-10-22. Review status: criteria provided, single submitter. Criteria: ACMG Guidelines, 2015. Collection method: clinical testing. Allele origin: unknown.

Ambry Genetics
Classification: Uncertain significance for Hereditary cancer-predisposing syndrome. Last evaluated: 2023-09-25. Review status: criteria provided, single submitter. Criteria: Ambry Variant Classification Scheme 2023. Collection method: clinical testing. Allele origin: germline.
Comment: The p.S41F variant (also known as c.122C>T), located in coding exon 1 of the CHEK2 gene, results from a C to T substitution at nucleotide position 122. The serine at codon 41 is replaced by phenylalanine, an amino acid with highly dissimilar properties. This alteration was reported as functional in a study assessing CHEK2-complementation through quantification of KAP1 phosphorylation and CHK2 autophosphorylation in human RPE1-CHEK2-knockout cells (Starlova, L et al. Clin Cancer Res 2023 Aug;29(16):3037-3050). This amino acid position is highly conserved in available vertebrate species. In addition, the in silico prediction for this alteration is inconclusive. Since supporting evidence is limited at this time, the clinical significance of this alteration remains unclear.

Color Diagnostics, LLC DBA Color Health
Classification: Uncertain significance for Hereditary cancer-predisposing syndrome. Last evaluated: 2021-01-27. Review status: criteria provided, single submitter. Criteria: ACMG Guidelines, 2015. Collection method: clinical testing. Allele origin: germline.
Comment: This missense variant replaces serine with phenylalanine at codon 41 of the CHEK2 protein. Computational prediction suggests that this variant may not impact protein structure and function (internally defined REVEL score threshold <= 0.5, PMID: 27666373). To our knowledge, functional studies have not been reported for this variant. This variant has not been reported in individuals affected with hereditary cancer in the literature. This variant has not been identified in the general population by the Genome Aggregation Database (gnomAD). The available evidence is insufficient to determine the role of this variant in disease conclusively. Therefore, this variant is classified as a Variant of Uncertain Significance.

Institute. of Biochemistry and Experimental Oncology, First Faculty of Medicine, Charles University in Prague
No classification provided. Review status: no classification provided. Collection method: not provided. Allele origin: germline. Not counted in ClinVar's aggregate classification.
Comment: Characterized in 2 out of 376 non cancer controls

Literature cited by the submitters: PubMed 37449874 (cited by 3 submitters); PubMed 31398194 (cited by Ambry Genetics).